The following is an entry in ClinVar:

ClinVar aggregate classification (germline): Pathogenic/Likely pathogenic. Review status: criteria provided, multiple submitters, no conflicts (2 of 4 stars). 2 submissions from 2 submitters: Pathogenic (1); Likely pathogenic (1). Last evaluated 2022-08-20.

Conditions:
Marfan syndrome (MFS). Also called: Marfan syndrome type 1; Marfan's syndrome; FBN1-Related Marfan Syndrome; MARFAN SYNDROME, TYPE I; Marfan syndrome, classic. Identifiers: Orphanet 284963, Orphanet 558, MedGen C0024796, MONDO:0007947, OMIM 154700.
Familial thoracic aortic aneurysm and aortic dissection (TAAD). Also called: Thoracic aortic aneurysms and dissections. Identifiers: Orphanet 91387, MedGen C4707243, MONDO:0019625.

Submissions (2):

Labcorp Genetics (formerly Invitae), Labcorp
Classification: Pathogenic for Marfan syndrome; Familial thoracic aortic aneurysm and aortic dissection. Last evaluated: 2022-08-20. Review status: criteria provided, single submitter. Criteria: Invitae Variant Classification Sherloc (09022015). Collection method: clinical testing. Allele origin: germline.
Comment: Advanced modeling of protein sequence and biophysical properties (such as structural, functional, and spatial information, amino acid conservation, physicochemical variation, residue mobility, and thermodynamic stability) performed at Invitae indicates that this missense variant is expected to disrupt FBN1 protein function. For these reasons, this variant has been classified as Pathogenic. This variant affects a cysteine residue in the EGF-like, TGFBP or hybrid motif domains of FBN1. Cysteine residues are believed to be involved in intramolecular disulfide bridges and have been shown to be important for FBN1 protein structure (PMID: 16905551, 19349279). In addition, missense substitutions affecting cysteine residues within these domains are significantly overrepresented among patients with Marfan syndrome (PMID: 16571647, 17701892). ClinVar contains an entry for this variant (Variation ID: 1330677). This missense change has been observed in individual(s) with Marfan syndrome (PMID: 29796325). This variant is not present in population databases (gnomAD no frequency). This sequence change replaces cysteine, which is neutral and slightly polar, with serine, which is neutral and polar, at codon 1958 of the FBN1 protein (p.Cys1958Ser).

ARUP Laboratories, Molecular Genetics and Genomics, ARUP Laboratories
Classification: Likely pathogenic. Last evaluated: 2021-01-16. Review status: criteria provided, single submitter. Criteria: ARUP Molecular Germline Variant Investigation Process 2021. Collection method: clinical testing. Allele origin: germline.
Comment: The FBN1 c.5872T>A; p.Cys1958Ser variant is reported in the literature in an individual affected with Marfan syndrome (Mohammad 2018). This variant is absent from general population databases (Exome Variant Server, Genome Aggregation Database), indicating it is not a common polymorphism. The cysteine at codon 1958 is highly conserved, and computational analyses predict that this variant is deleterious (REVEL: 0.917). Additionally, other amino acid substitutions at this codon (p.Cys1958Arg, p.Cys1958Tyr) have been reported in individuals with Marfan syndrome or related aortopathies and are considered disease-causing (Ogawa 2011, Valencia 2015, Yang 2016). This variant occurs in a cysteine residue in one of the calcium binding EGF-like domains of fibrillin-1 (Wu 1995). Each EGF-like domain contains six highly-conserved cysteines and the disulfide bridges formed between these residues are essential for protein folding; loss of one of these cysteines may interfere with proper disulfide bridge formation, disrupting protein structure. Accordingly, the revised Ghent nosology for Marfan syndrome lists missense variants of cysteine residues as one of the criteria for classification of a variant as pathogenic (Loeys 2010). Therefore, this variant is classified likely pathogenic. References: Loeys et al. The revised Ghent nosology for the Marfan syndrome. J Med Genet. 2010 47(7): 476-85. Mohammad et al. Patient with Marfan Syndrome and a Novel Variant in FBN1 Presenting with Bilateral Popliteal Artery Aneurysm. Case Rep Genet. 2018 Mar 29;2018:6780494. Ogawa N et al. Evaluating Japanese patients with the Marfan syndrome using high-throughput microarray-based mutational analysis of fibrillin-1 gene. Am J Cardiol. 2011 Dec 15;108(12):1801-7. Valencia CA et al. Clinical Impact and Cost-Effectiveness of Whole Exome Sequencing as a Diagnostic Tool: A Pediatric Center's Experience. Front Pediatr. 2015 Aug 3;3:67. Wu et al. Fibrillin domain folding and calcium binding: significance to Marfan syndrome. Chem Biol 1995 2(2):91-7. Yang H et al. Genetic testing of 248 Chinese aortopathy patients using a panel assay. Sci Rep. 2016 Sep 9;6:33002.

Literature cited by the submitters: PubMed 16905551 (cited by Labcorp Genetics (formerly Invitae), Labcorp); PubMed 19349279 (cited by Labcorp Genetics (formerly Invitae), Labcorp); PubMed 16571647 (cited by Labcorp Genetics (formerly Invitae), Labcorp); PubMed 17701892 (cited by Labcorp Genetics (formerly Invitae), Labcorp); PubMed 29796325 (cited by Labcorp Genetics (formerly Invitae), Labcorp).

NM_000138.5(FBN1):c.5872T>A (p.Cys1958Ser)

Gene: FBN1 (fibrillin 1; minus strand). Cytogenetic location: 15q21.1.
Variant type: single nucleotide variant.
Coding change: c.5872T>A on transcript NM_000138.5 (MANE Select); coding-DNA position 5872, T replaced by A.
Protein change: p.Cys1958Ser; replaces cysteine 1958 with serine.
Molecular consequence: missense variant.
Genome position (GRCh38, 1-based): chr15:48,445,421, A>T on the plus strand (T>A on the coding strand, the complement: FBN1 is on the minus strand). VCF-style: chr15-48445421-A-T. GRCh37 (hg19) VCF-style: chr15-48737618-A-T.
Other names: short protein forms C1958S.
Identifiers: ClinVar variation 1330677 (VCV001330677.49), dbSNP rs2141249174, ClinGen allele CA392340019.